The following is an entry in ClinVar:

NM_006767.4(LZTR1):c.1616-4del

Gene: LZTR1 (leucine zipper like post translational regulator 1; plus strand). Cytogenetic location: 22q11.21.
Variant type: Deletion.
Coding change: c.1616-4del on transcript NM_006767.4 (MANE Select); 4 bases into the intron before coding-DNA position 1616, one base deleted (G; older notation c.1616-4delG).
Molecular consequence: intron variant.
Genome position (GRCh38, 1-based): chr22:20,994,554, G deleted. VCF-style (leftmost placement, unchanged base first): chr22-20994553-CG-C. GRCh37 (hg19) VCF-style: chr22-21348842-CG-C.
Identifiers: ClinVar variation 1776488 (VCV001776488.8), dbSNP rs776508077, ClinGen allele CA10119002.
Genomic context (GRCh38, chr22:20,994,553, plus strand): 5'-CCCTGCGCCCTGTGCCCTGCCCTCCCCTCTCCGGCTCCCTGAGATTCGGGGGCTCTGGGG[CG>C]CAGGCCATGTGGAGGATGTGCTGCTCATCATGGATGTGTACAAACTGGCACTGAGCTTCC-3'

ClinVar aggregate classification (germline): Conflicting classifications of pathogenicity. Review status: criteria provided, conflicting classifications (1 of 4 stars). 4 submissions from 4 submitters: Uncertain significance (2); Likely benign (2). Last evaluated 2026-06-04.

Conditions:
Hereditary cancer-predisposing syndrome. Also called: Tumor predisposition; Hereditary neoplastic syndrome; Hereditary Cancer Syndrome; Neoplastic Syndromes, Hereditary. Identifiers: Orphanet 140162, MedGen C0027672, MeSH D009386, MONDO:0015356.
Cardiovascular phenotype. Identifiers: MedGen CN230736.
LZTR1-related disorder. Also called: LZTR1-related disorders; LZTR1-related condition.

Allele frequency attached by ClinVar (database versions not stated): gnomAD exomes below 0.00001; ExAC 0.00001.

Submissions (4):

PreventionGenetics, part of Exact Sciences
Classification: Likely benign for LZTR1-related condition. Last evaluated: 2026-06-04. Review status: criteria provided, single submitter. Criteria: ACMG Guidelines, 2015. Collection method: clinical testing. Allele origin: germline.
Comment: This variant is classified as likely benign based on ACMG/AMP sequence variant interpretation guidelines (Richards et al. 2015 PMID: 25741868, with internal and published modifications).

Ambry Genetics
Classification: Uncertain significance for Cardiovascular phenotype; Hereditary cancer-predisposing syndrome. Last evaluated: 2025-10-29. Review status: criteria provided, single submitter. Criteria: Ambry Variant Classification Scheme 2023. Collection method: clinical testing. Allele origin: germline.
Comment: The c.1616-4delG intronic variant is located 4 nucleotides upstream of coding exon 15 of the LZTR1 gene. This variant results from a deletion of one nucleotide at position c.1616-4. This variant was reported in individual(s) with schwannomatosis (Ambry internal data). This nucleotide position is not well conserved in available vertebrate species. In silico splice site analysis for this alteration is inconclusive. Since supporting evidence is limited at this time, the clinical significance of this alteration remains unclear.

Labcorp Genetics (formerly Invitae), Labcorp
Classification: Likely benign. Last evaluated: 2025-04-08. Review status: criteria provided, single submitter. Criteria: Invitae Variant Classification Sherloc (09022015). Collection method: clinical testing. Allele origin: germline.

GeneDx
Classification: Uncertain significance. Last evaluated: 2022-10-06. Review status: criteria provided, single submitter. Criteria: GeneDx Variant Classification Process June 2021. Collection method: clinical testing. Allele origin: germline. Affected: yes.
Comment: Not observed at significant frequency in large population cohorts (gnomAD); Has not been previously published as pathogenic or benign to our knowledge; In-silico analysis is inconclusive as to whether the variant alters gene splicing. In the absence of RNA/functional studies, the actual effect of this sequence change is unknown.